The following is an entry in ClinVar:

ClinVar aggregate classification (germline): Conflicting classifications of pathogenicity. Review status: criteria provided, conflicting classifications (1 of 4 stars). 3 submissions from 3 submitters: Uncertain significance (2); Likely benign (1). Last evaluated 2025-03-07.

Conditions:
Inborn genetic diseases. Identifiers: MedGen C0950123, MeSH D030342.

Allele frequency attached by ClinVar (database versions not stated): gnomAD 0.00001; TOPMed 0.00001; 1000 Genomes Project 30x 0.00016; 1000 Genomes Project 0.00020.
gnomAD v4.1: 11 of 1,596,630 alleles (0.00069%); highest among the groups gnomAD compares: Non-Finnish European, 0.00085%; no homozygotes.

Submissions (3):

Labcorp Genetics (formerly Invitae), Labcorp
Classification: Uncertain significance. Last evaluated: 2025-03-07. Review status: criteria provided, single submitter. Criteria: Invitae Variant Classification Sherloc (09022015). Collection method: clinical testing. Allele origin: germline.
Comment: This sequence change replaces arginine, which is basic and polar, with histidine, which is basic and polar, at codon 386 of the AHDC1 protein (p.Arg386His). This variant is not present in population databases (gnomAD no frequency). This variant has not been reported in the literature in individuals affected with AHDC1-related conditions. ClinVar contains an entry for this variant (Variation ID: 1910777). An algorithm developed to predict the effect of missense changes on protein structure and function (PolyPhen-2) suggests that this variant is likely to be disruptive. In summary, the available evidence is currently insufficient to determine the role of this variant in disease. Therefore, it has been classified as a Variant of Uncertain Significance.

CeGaT Center for Human Genetics Tuebingen
Classification: Likely benign. Last evaluated: 2023-11-01. Review status: criteria provided, single submitter. Criteria: CeGaT Center For Human Genetics Tuebingen Variant Classification Criteria Version 2. Collection method: clinical testing. Allele origin: germline. Affected: yes. Observed: 1 variant allele.
Comment: AHDC1: BP1

Ambry Genetics
Classification: Uncertain significance for Inborn genetic diseases. Last evaluated: 2023-01-10. Review status: criteria provided, single submitter. Criteria: Ambry Variant Classification Scheme 2023. Collection method: clinical testing. Allele origin: germline.

NM_001371928.1(AHDC1):c.1157G>A (p.Arg386His)

Gene: AHDC1 (AT-hook DNA binding motif containing 1; minus strand). Cytogenetic location: 1p36.11.
Variant type: single nucleotide variant.
Coding change: c.1157G>A on transcript NM_001371928.1 (MANE Select); coding-DNA position 1157, G replaced by A.
Protein change: p.Arg386His; replaces arginine 386 with histidine.
Molecular consequence: missense variant.
Genome position (GRCh38, 1-based): chr1:27,550,959, C>T on the plus strand (G>A on the coding strand, the complement: AHDC1 is on the minus strand). VCF-style: chr1-27550959-C-T. GRCh37 (hg19) VCF-style: chr1-27877470-C-T.
Other names: c.1157G>A (NM_001029882.2); c.1157G>A, p.Arg386His (NM_001029882.3); short protein forms R386H.
Identifiers: ClinVar variation 1910777 (VCV001910777.30), dbSNP rs539332275, ClinGen allele CA19878031.
Genomic context (GRCh38, chr1:27,550,959, plus strand): 5'-TCTGCCTTGCGTCCCCGTCCGGCTTTCCGCCGGCGACACAGGATCTTTGGCCTATCAGTG[C>T]GCCGCAAGGCGTACTTGGGGTGACCCTCAGGCCCGGGGGGGCCGTGCGGTGAGCACAAGT-3'
Protein context (NP_001358857.1, residues 376-396): PEGHPKYALR[Arg386His]TDRPKILCRR